The following is an entry in ClinVar:

ClinVar aggregate classification (germline): Uncertain significance (1 of 4 stars; one submission).

Conditions:
Duchenne muscular dystrophy (DMD). Also called: MUSCULAR DYSTROPHY, PSEUDOHYPERTROPHIC PROGRESSIVE, DUCHENNE TYPE; Duchenne Muscular Dystrophy (DMD). Identifiers: Orphanet 98896, MedGen C0013264, MONDO:0010679, OMIM 310200.

Submission:

Labcorp Genetics (formerly Invitae), Labcorp
Classification: Uncertain significance for Duchenne muscular dystrophy. Last evaluated: 2022-09-09. Review status: criteria provided, single submitter. Criteria: Invitae Variant Classification Sherloc (09022015). Collection method: clinical testing. Allele origin: germline.
Comment: This variant is not present in population databases (gnomAD no frequency). This sequence change replaces lysine, which is basic and polar, with glutamic acid, which is acidic and polar, at codon 2540 of the DMD protein (p.Lys2540Glu). This variant has not been reported in the literature in individuals affected with DMD-related conditions. In summary, the available evidence is currently insufficient to determine the role of this variant in disease. Therefore, it has been classified as a Variant of Uncertain Significance. Advanced modeling of protein sequence and biophysical properties (such as structural, functional, and spatial information, amino acid conservation, physicochemical variation, residue mobility, and thermodynamic stability) performed at Invitae indicates that this missense variant is not expected to disrupt DMD protein function.

NM_004006.3(DMD):c.7618A>G (p.Lys2540Glu)

Gene: DMD (dystrophin; minus strand). Cytogenetic location: Xp21.1.
Variant type: single nucleotide variant.
Coding change: c.7618A>G on transcript NM_004006.3 (MANE Select); coding-DNA position 7618, A replaced by G.
Protein change: p.Lys2540Glu; replaces lysine 2540 with glutamic acid.
Molecular consequence: missense variant.
Genome position (GRCh38, 1-based): chrX:31,729,673, T>C on the plus strand (A>G on the coding strand, the complement: DMD is on the minus strand). VCF-style: chrX-31729673-T-C. GRCh37 (hg19) VCF-style: chrX-31747790-T-C.
Other names: c.7594A>G, p.Lys2532Glu (NM_000109.4); c.7606A>G, p.Lys2536Glu (NM_004009.3); c.7249A>G, p.Lys2417Glu (NM_004010.3); c.3595A>G, p.Lys1199Glu (NM_004011.4); c.3586A>G, p.Lys1196Glu (NM_004012.4); c.238A>G, p.Lys80Glu (NM_004013.3, NM_004020.4, NM_004021.3 and 2 more transcripts); short protein forms K2532E, K2540E, K1196E, K80E, K2536E, K1199E, K2417E.
Identifiers: ClinVar variation 1989994 (VCV001989994.4), dbSNP rs2530033900, ClinGen allele CA412657563.